The following is an entry in ClinVar:

ClinVar aggregate classification (germline): Likely pathogenic (1 of 4 stars; one submission).

Conditions:
Oculofaciocardiodental syndrome (MCOPS2). Identifiers: Orphanet 2712, MedGen C1846265, MONDO:0010261, OMIM 300166.

Submission:

3billion
Classification: Likely pathogenic for Oculofaciocardiodental syndrome. Last evaluated: 2022-05-22. Review status: criteria provided, single submitter. Criteria: ACMG Guidelines, 2015. Collection method: clinical testing. Allele origin: germline. Affected: yes. Observed: 1 heterozygote.
Comment: The variant is not observed in the gnomAD v2.1.1 dataset. Frameshift: predicted to result in a loss or disruption of normal protein function through nonsense-mediated decay (NMD) or protein truncation. Multiple pathogenic variants are reported downstream of the variant. Therefore, this variant is classified as likely pathogenic according to the recommendation of ACMG/AMP guideline.

NM_001123385.2(BCOR):c.3404_3422del (p.Lys1135fs)

Gene: BCOR (BCL6 corepressor; minus strand). Cytogenetic location: Xp11.4.
Variant type: Deletion.
Coding change: c.3404_3422del on transcript NM_001123385.2 (MANE Select); coding-DNA positions 3404 to 3422, 19 bases deleted (AACGCAAAGTCTCAGGTGA).
Protein change: p.Lys1135fs; shifts the reading frame from lysine 1135.
Molecular consequence: frameshift variant.
Genome position (GRCh38, 1-based): chrX:40,064,416-40,064,434, TCACCTGAGACTTTGCGTT deleted on the plus strand (AACGCAAAGTCTCAGGTGA on the coding strand, the reverse complement: BCOR is on the minus strand); deleting any 19 consecutive bases within chrX:40,064,416-40,064,436 gives the same sequence; the c. name uses the placement nearest the transcript's 3' end. VCF-style (leftmost placement, unchanged base first): chrX-40064415-GTCACCTGAGACTTTGCGTT-G. GRCh37 (hg19) VCF-style: chrX-39923668-GTCACCTGAGACTTTGCGTT-G.
Other names: c.3402_3420del19, p.Lys1135Thrfs (NM_001123383.2); c.3350_3368del, p.Lys1117fs (NM_001123384.2); c.3404_3422del, p.Lys1135fs (NM_017745.6); short protein forms K1117fs, K1135fs.
Identifiers: ClinVar variation 1687617 (VCV001687617.1), dbSNP rs2147077488, ClinGen allele CA2573158908.